The following is an entry in ClinVar:

ClinVar aggregate classification (germline): Uncertain significance (1 of 4 stars; one submission).

Conditions:
Cardiovascular phenotype. Identifiers: MedGen CN230736.

Allele frequency attached by ClinVar (database versions not stated): gnomAD exomes 0.00001.
gnomAD v4.1: 7 of 1,549,336 alleles (0.00045%); highest among the groups gnomAD compares: Non-Finnish European, 0.00061%; no homozygotes.

Submission:

Ambry Genetics
Classification: Uncertain significance for Cardiovascular phenotype. Last evaluated: 2024-02-25. Review status: criteria provided, single submitter. Criteria: Ambry Variant Classification Scheme 2023. Collection method: clinical testing. Allele origin: germline.
Comment: The p.L2892F variant (also known as c.8674C>T), located in coding exon 2 of the ZNF469 gene, results from a C to T substitution at nucleotide position 8674. The leucine at codon 2892 is replaced by phenylalanine, an amino acid with highly similar properties. This amino acid position is conserved. In addition, this alteration is predicted to be tolerated by in silico analysis. Based on the available evidence, the clinical significance of this alteration remains unclear.

NM_001367624.2(ZNF469):c.8758C>T (p.Leu2920Phe)

Gene: ZNF469 (zinc finger protein 469; plus strand). Cytogenetic location: 16q24.2.
Variant type: single nucleotide variant.
Coding change: c.8758C>T on transcript NM_001367624.2 (MANE Select); coding-DNA position 8758, C replaced by T.
Protein change: p.Leu2920Phe; replaces leucine 2920 with phenylalanine.
Molecular consequence: missense variant.
Genome position (GRCh38, 1-based): chr16:88,436,228, C>T. VCF-style: chr16-88436228-C-T. GRCh37 (hg19) VCF-style: chr16-88502636-C-T.
Other names: NM_001127464.1:c.8674C>T; short protein forms L2920F.
Identifiers: ClinVar variation 3232870 (VCV003232870.1), dbSNP rs2507600771, ClinGen allele CA397119366.